The following is an entry in ClinVar:

ClinVar aggregate classification (germline): Uncertain significance (1 of 4 stars; one submission).

Conditions:
Inborn genetic diseases. Identifiers: MedGen C0950123, MeSH D030342.

gnomAD v4.1: 1 of 152,226 alleles (0.00066%); highest among the groups gnomAD compares: Admixed American, 0.0065%; no homozygotes.

Submission:

Ambry Genetics
Classification: Uncertain significance for Inborn genetic diseases. Last evaluated: 2025-07-15. Review status: criteria provided, single submitter. Criteria: Ambry Variant Classification Scheme 2023. Collection method: clinical testing. Allele origin: germline.
Comment: The c.59-26932A>G intronic variant results from an A to G substitution 26932 nucleotides upstream from coding exon 2 in the RUNX1 gene. In silico splice site analysis predicts that this alteration may result in the creation or strengthening of a novel splice donor site; however, direct evidence is insufficient at this time (Ambry internal data). Based on the available evidence, the clinical significance of this variant remains unclear.

NM_001754.5(RUNX1):c.59-26932A>G

Gene: RUNX1 (RUNX family transcription factor 1; minus strand). Cytogenetic location: 21q22.12.
Variant type: single nucleotide variant.
Coding change: c.59-26932A>G on transcript NM_001754.5 (MANE Select); 26932 bases into the intron before coding-DNA position 59, A replaced by G.
Molecular consequence: intron variant.
Genome position (GRCh38, 1-based): chr21:34,919,895, T>C on the plus strand (A>G on the coding strand, the complement: RUNX1 is on the minus strand). VCF-style: chr21-34919895-T-C. GRCh37 (hg19) VCF-style: chr21-36292192-T-C.
Identifiers: ClinVar variation 4158203 (VCV004158203.1).
Genomic context (GRCh38, chr21:34,919,895, plus strand): 5'-GAATCAAATTGTGAAAGGAACAAGCACATCCTGAATTAGTGCTGTATTTTTGAAACATAC[T>C]GGAGTAGGTTTAAGCATTCCTTCCTTCCTCACGGTAATTGAGCAGATGTTCTTGCCAGGC-3'